The following is an entry in ClinVar:

ClinVar aggregate classification (germline): Uncertain significance (1 of 4 stars; one submission).

Conditions:
Alzheimer disease. Also called: Presenile and senile dementia; Alzheimer's disease. Identifiers: Orphanet 1020, MedGen C0002395, MeSH D000544, MONDO:0004975, HP:0002511.

gnomAD v4.1: 1 of 1,614,122 alleles (0.000062%); highest among the groups gnomAD compares: Admixed American, 0.0017%; no homozygotes.

Submission:

Labcorp Genetics (formerly Invitae), Labcorp
Classification: Uncertain significance for Alzheimer disease. Last evaluated: 2024-01-08. Review status: criteria provided, single submitter. Criteria: Invitae Variant Classification Sherloc (09022015). Collection method: clinical testing. Allele origin: germline.
Comment: This sequence change replaces proline, which is neutral and non-polar, with alanine, which is neutral and non-polar, at codon 584 of the APP protein (p.Pro584Ala). This variant is present in population databases (no rsID available, gnomAD 0.003%). This variant has not been reported in the literature in individuals affected with APP-related conditions. Advanced modeling of protein sequence and biophysical properties (such as structural, functional, and spatial information, amino acid conservation, physicochemical variation, residue mobility, and thermodynamic stability) performed at Invitae indicates that this missense variant is not expected to disrupt APP protein function with a negative predictive value of 95%. In summary, the available evidence is currently insufficient to determine the role of this variant in disease. Therefore, it has been classified as a Variant of Uncertain Significance.

NM_000484.4(APP):c.1750C>G (p.Pro584Ala)

Gene: APP (amyloid beta precursor protein; minus strand). Cytogenetic location: 21q21.3.
Variant type: single nucleotide variant.
Coding change: c.1750C>G on transcript NM_000484.4 (MANE Select); coding-DNA position 1750, C replaced by G.
Protein change: p.Pro584Ala; replaces proline 584 with alanine.
Molecular consequence: missense variant.
Genome position (GRCh38, 1-based): chr21:25,911,900, G>C on the plus strand (C>G on the coding strand, the complement: APP is on the minus strand). VCF-style: chr21-25911900-G-C. GRCh37 (hg19) VCF-style: chr21-27284212-G-C.
Other names: c.1678C>G, p.Pro560Ala (NM_001136016.3); c.1357C>G, p.Pro453Ala (NM_001136129.3); c.1582C>G, p.Pro528Ala (NM_001136130.3, NM_001385253.1); c.1420C>G, p.Pro474Ala (NM_001136131.3); c.1750C>G, p.Pro584Ala (NM_001204301.2); c.1693C>G, p.Pro565Ala (NM_001204302.2, NM_201413.3); c.1525C>G, p.Pro509Ala (NM_001204303.2, NM_201414.3); short protein forms P453A, P474A, P565A, P509A, P528A, P560A, P584A.
Identifiers: ClinVar variation 2984773 (VCV002984773.3), dbSNP rs748858141, ClinGen allele CA409807675.
Genomic context (GRCh38, chr21:25,911,900, plus strand): 5'-CGGTGGTTTTCGTTTCGGTCAAAGATGGCATGAGAGCATCGTTTCCGTAACTGATCCTTG[G>C]TTCACTAATCATGTTGGCCAAGACGTCATCTGAATAGTTTTGCTCTTTCTGAAGCAGCTC-3'
Protein context (NP_000475.1, residues 574-594): DDVLANMISE[Pro584Ala]RISYGNDALM